The following is an entry in ClinVar:

NM_001256545.2(MEGF10):c.*1150T>C

Gene: MEGF10 (multiple EGF like domains 10; plus strand). Cytogenetic location: 5q23.2.
Variant type: single nucleotide variant.
Coding change: c.*1150T>C on transcript NM_001256545.2 (MANE Select); 1150 bases downstream of the stop codon, T replaced by C.
Molecular consequence: 3 prime UTR variant.
Genome position (GRCh38, 1-based): chr5:127,458,468, T>C. VCF-style: chr5-127458468-T-C. GRCh37 (hg19) VCF-style: chr5-126794160-T-C.
Other names: c.*1150T>C (NM_032446.3).
Identifiers: ClinVar variation 905065 (VCV000905065.5), dbSNP rs75528418, ClinGen allele CA126955124.

ClinVar aggregate classification (germline): Likely benign. Review status: criteria provided, multiple submitters, no conflicts (2 of 4 stars). 2 submissions from 2 submitters: Likely benign (2). Last evaluated 2018-01-13.

Conditions:
MEGF10-related myopathy (CMYO10A). Also called: Congenital myopathy 10A, severe variant. Identifiers: Orphanet 439212, MedGen C3280679, MONDO:0013731, OMIM 614399.

Allele frequency attached by ClinVar (database versions not stated): 1000 Genomes Project 0.01577; 1000 Genomes Project 30x 0.01733; TOPMed 0.03058; gnomAD 0.03229 and 0.03313.

Submissions (2):

Illumina Laboratory Services, Illumina
Classification: Likely benign for MEGF10-related myopathy. Last evaluated: 2018-01-13. Review status: criteria provided, single submitter. Criteria: ICSL Variant Classification Criteria 13 December 2019. Collection method: clinical testing. Allele origin: germline.
Comment: This variant was observed in the ICSL laboratory as part of a predisposition screen in an ostensibly healthy population. It had not been previously curated by ICSL or reported in the Human Gene Mutation Database (HGMD: prior to June 1st, 2018), and was therefore a candidate for classification through an automated scoring system. Utilizing variant allele frequency, disease prevalence and penetrance estimates, and inheritance mode, an automated score was calculated to assess if this variant is too frequent to cause the disease. Based on the score and internal cut-off values, a variant classified as likely benign is not then subjected to further curation. The score for this variant resulted in a classification of likely benign for this disease.

Breakthrough Genomics
Classification: Likely benign. Review status: criteria provided, single submitter. Criteria: ACMG Guidelines, 2015. Collection method: not provided. Allele origin: germline. Inheritance: Autosomal recessive inheritance. Affected: yes.